The following is an entry in ClinVar:

NM_001013838.3(CARMIL2):c.809C>T (p.Ala270Val)

Gene: CARMIL2 (capping protein regulator and myosin 1 linker 2; plus strand). Cytogenetic location: 16q22.1.
Variant type: single nucleotide variant.
Coding change: c.809C>T on transcript NM_001013838.3 (MANE Select); coding-DNA position 809, C replaced by T.
Protein change: p.Ala270Val; replaces alanine 270 with valine.
Molecular consequence: missense variant.
Genome position (GRCh38, 1-based): chr16:67,647,540, C>T. VCF-style: chr16-67647540-C-T. GRCh37 (hg19) VCF-style: chr16-67681443-C-T.
Other names: p.Ala270Val; c.809C>T, p.Ala270Val (NM_001317026.3); short protein forms A270V.
Identifiers: ClinVar variation 1019004 (VCV001019004.6), dbSNP rs200995809, ClinGen allele CA8113232.

ClinVar aggregate classification (germline): Uncertain significance. Review status: criteria provided, multiple submitters, no conflicts (2 of 4 stars). 3 submissions from 3 submitters: Uncertain significance (3). Last evaluated 2024-09-02.

Allele frequency attached by ClinVar (database versions not stated): ExAC 0.00014; gnomAD 0.00014 and 0.00015; gnomAD exomes 0.00014; TOPMed 0.00015; 1000 Genomes Project 0.00020; 1000 Genomes Project 30x 0.00031.

Submissions (4):

Blueprint Genetics
Classification: Uncertain significance. Last evaluated: 2024-09-02. Review status: criteria provided, single submitter. Criteria: ACMG Guidelines, 2015. Collection method: clinical testing. Allele origin: germline.

Mayo Clinic Laboratories, Mayo Clinic
Classification: Uncertain significance. Last evaluated: 2024-04-02. Review status: criteria provided, single submitter. Criteria: ACMG Guidelines, 2015. Collection method: clinical testing. Allele origin: germline. Observed: 1 variant allele.
Comment: BP4

Labcorp Genetics (formerly Invitae), Labcorp
Classification: Uncertain significance. Last evaluated: 2023-11-07. Review status: criteria provided, single submitter. Criteria: Invitae Variant Classification Sherloc (09022015). Collection method: clinical testing. Allele origin: germline.
Comment: This sequence change replaces alanine, which is neutral and non-polar, with valine, which is neutral and non-polar, at codon 270 of the CARMIL2 protein (p.Ala270Val). This variant is present in population databases (rs200995809, gnomAD 0.1%). This variant has not been reported in the literature in individuals affected with CARMIL2-related conditions. ClinVar contains an entry for this variant (Variation ID: 1019004). Advanced modeling of protein sequence and biophysical properties (such as structural, functional, and spatial information, amino acid conservation, physicochemical variation, residue mobility, and thermodynamic stability) performed at Invitae indicates that this missense variant is not expected to disrupt CARMIL2 protein function with a negative predictive value of 80%. In summary, the available evidence is currently insufficient to determine the role of this variant in disease. Therefore, it has been classified as a Variant of Uncertain Significance.

Dr. Peter K. Rogan Lab, Western University
No classification provided (evidence only). Condition: Colon adenocarcinoma. Review status: no classification provided. Collection method: in vitro. Allele origin: not applicable. Functional consequence: retained intron. Not counted in ClinVar's aggregate classification.